The following is an entry in ClinVar:

NM_000256.3(MYBPC3):c.2257G>A (p.Val753Met)

Gene: MYBPC3 (myosin binding protein C3; minus strand). Cytogenetic location: 11p11.2.
Variant type: single nucleotide variant.
Coding change: c.2257G>A on transcript NM_000256.3 (MANE Select); coding-DNA position 2257, G replaced by A.
Protein change: p.Val753Met; replaces valine 753 with methionine.
Molecular consequence: missense variant.
Genome position (GRCh38, 1-based): chr11:47,338,571, C>T on the plus strand (G>A on the coding strand, the complement: MYBPC3 is on the minus strand). VCF-style: chr11-47338571-C-T. GRCh37 (hg19) VCF-style: chr11-47360122-C-T.
Other names: short protein forms V753M.
Identifiers: ClinVar variation 3657757 (VCV003657757.2).

ClinVar aggregate classification (germline): Uncertain significance (1 of 4 stars; one submission).

Conditions:
Hypertrophic cardiomyopathy. Also called: HYPERTROPHIC MYOCARDIOPATHY. Identifiers: Orphanet 217569, MedGen C0007194, MeSH D002312, MONDO:0005045, HP:0001639.

Submission:

Labcorp Genetics (formerly Invitae), Labcorp
Classification: Uncertain significance for Hypertrophic cardiomyopathy. Last evaluated: 2024-06-25. Review status: criteria provided, single submitter. Criteria: Invitae Variant Classification Sherloc (09022015). Collection method: clinical testing. Allele origin: germline.
Comment: This sequence change replaces valine, which is neutral and non-polar, with methionine, which is neutral and non-polar, at codon 753 of the MYBPC3 protein (p.Val753Met). This variant is not present in population databases (gnomAD no frequency). This variant has not been reported in the literature in individuals affected with MYBPC3-related conditions. An algorithm developed to predict the effect of missense changes on protein structure and function (PolyPhen-2) suggests that this variant is likely to be disruptive. In summary, the available evidence is currently insufficient to determine the role of this variant in disease. Therefore, it has been classified as a Variant of Uncertain Significance.